The following is an entry in ClinVar:

NM_001012720.2(RGR):c.744+4C>T

Gene: RGR (retinal G protein coupled receptor; plus strand). Cytogenetic location: 10q23.1.
Variant type: single nucleotide variant.
Coding change: c.744+4C>T on transcript NM_001012720.2 (MANE Select); 4 bases into the intron after coding-DNA position 744, C replaced by T.
Molecular consequence: intron variant.
Genome position (GRCh38, 1-based): chr10:84,258,010, C>T. VCF-style: chr10-84258010-C-T. GRCh37 (hg19) VCF-style: chr10-86017766-C-T.
Other names: c.756+4C>T (NM_002921.4); c.631-498C>T (NM_001012722.2).
Identifiers: ClinVar variation 4730849 (VCV004730849.1).
Genomic context (GRCh38, chr10:84,258,010, plus strand): 5'-CTGTATCTATACGCAGTCATCGCAGACGTGACTTCCATCTCCCCCAAACTGCAGATGGTA[C>T]AGATACTTCTAGTACCTAAAACTAGACCCCTCTCCATCTTTGTTCTCTGTCTCATCTCAT-3'

ClinVar aggregate classification (germline): Uncertain significance (1 of 4 stars; one submission).

Submission:

Labcorp Genetics (formerly Invitae), Labcorp
Classification: Uncertain significance. Last evaluated: 2025-11-15. Review status: criteria provided, single submitter. Criteria: Invitae Variant Classification Sherloc (09022015). Collection method: clinical testing. Allele origin: germline.
Comment: This sequence change falls in intron 6 of the RGR gene. It does not directly change the encoded amino acid sequence of the RGR protein. It affects a nucleotide within the consensus splice site. This variant is not present in population databases (gnomAD no frequency). This variant has not been reported in the literature in individuals affected with RGR-related conditions. Variants that disrupt the consensus splice site are a relatively common cause of aberrant splicing (PMID: 17576681, 9536098). Algorithms developed to predict the effect of sequence changes on RNA splicing suggest that this variant is not likely to affect RNA splicing. In summary, the available evidence is currently insufficient to determine the role of this variant in disease. Therefore, it has been classified as a Variant of Uncertain Significance.

Literature cited by the submitters: PubMed 17576681; PubMed 9536098.